The following is an entry in ClinVar:

NM_001204.7(BMPR2):c.91G>A (p.Glu31Lys)

Gene: BMPR2 (bone morphogenetic protein receptor type 2; plus strand). Cytogenetic location: 2q33.1.
Variant type: single nucleotide variant.
Coding change: c.91G>A on transcript NM_001204.7 (MANE Select); coding-DNA position 91, G replaced by A.
Protein change: p.Glu31Lys; replaces glutamic acid 31 with lysine.
Molecular consequence: missense variant.
Genome position (GRCh38, 1-based): chr2:202,464,823, G>A. VCF-style: chr2-202464823-G-A. GRCh37 (hg19) VCF-style: chr2-203329546-G-A.
Other names: short protein forms E31K.
Identifiers: ClinVar variation 3342894 (VCV003342894.2).

ClinVar aggregate classification (germline): Uncertain significance. Review status: criteria provided, multiple submitters, no conflicts (2 of 4 stars). 2 submissions from 2 submitters: Uncertain significance (2). Last evaluated 2024-12-02.

Conditions:
Inborn genetic diseases. Identifiers: MedGen C0950123, MeSH D030342.

gnomAD v4.1: 12 of 1,612,570 alleles (0.00074%); highest among the groups gnomAD compares: Non-Finnish European, 0.00093%; no homozygotes.

Submissions (2):

Ambry Genetics
Classification: Uncertain significance for Inborn genetic diseases. Last evaluated: 2024-12-02. Review status: criteria provided, single submitter. Criteria: Ambry Variant Classification Scheme 2023. Collection method: clinical testing. Allele origin: germline.
Comment: The p.E31K variant (also known as c.91G>A), located in coding exon 2 of the BMPR2 gene, results from a G to A substitution at nucleotide position 91. The glutamic acid at codon 31 is replaced by lysine, an amino acid with similar properties. This amino acid position is conserved. In addition, this alteration is predicted to be deleterious by in silico analysis. Based on the available evidence, the clinical significance of this variant remains unclear.

GeneDx
Classification: Uncertain significance. Last evaluated: 2023-05-16. Review status: criteria provided, single submitter. Criteria: GeneDx Variant Classification Process June 2021. Collection method: clinical testing. Allele origin: germline. Affected: yes.
Comment: Has not been previously published as pathogenic or benign to our knowledge; Not observed at significant frequency in large population cohorts (gnomAD); In silico analysis supports that this missense variant does not alter protein structure/function